The following is an entry in ClinVar:

ClinVar aggregate classification (germline): Uncertain significance (0 of 4 stars; one submission).

Conditions:
NRP1-related disorder. Also called: NRP1-related condition.

gnomAD v4.1: 17 of 1,614,086 alleles (0.0011%); highest among the groups gnomAD compares: Non-Finnish European, 0.0014%; no homozygotes.

Submission:

PreventionGenetics, part of Exact Sciences
Classification: Uncertain significance for NRP1-related condition. Last evaluated: 2024-08-30. Review status: no assertion criteria provided. Collection method: clinical testing. Allele origin: germline.
Comment: The NRP1 c.1000C>A variant is predicted to result in the amino acid substitution p.Arg334Ser. To our knowledge, this variant has not been reported in the literature or in a large population database, indicating this variant is rare. At this time, the clinical significance of this variant is uncertain due to the absence of conclusive functional and genetic evidence.

NM_003873.7(NRP1):c.1000C>A (p.Arg334Ser)

Gene: NRP1 (neuropilin 1; minus strand). Cytogenetic location: 10p11.22.
Variant type: single nucleotide variant.
Coding change: c.1000C>A on transcript NM_003873.7 (MANE Select); coding-DNA position 1000, C replaced by A.
Protein change: p.Arg334Ser; replaces arginine 334 with serine.
Molecular consequence: missense variant. On other transcripts: non-coding transcript variant (1).
Genome position (GRCh38, 1-based): chr10:33,226,271, G>T on the plus strand (C>A on the coding strand, the complement: NRP1 is on the minus strand). VCF-style: chr10-33226271-G-T. GRCh37 (hg19) VCF-style: chr10-33515199-G-T.
Other names: c.1000C>A, p.Arg334Ser (NM_001024628.3, NM_001024629.3, NM_001244972.2 and 2 more transcripts); short protein forms R334S.
Identifiers: ClinVar variation 3344047 (VCV003344047.1).